The following is an entry in ClinVar:

ClinVar aggregate classification (germline): Benign/Likely benign. Review status: criteria provided, multiple submitters, no conflicts (2 of 4 stars). 5 submissions from 5 submitters: Benign (1); Likely benign (4). Last evaluated 2026-01-28.

Allele frequency attached by ClinVar (database versions not stated): gnomAD exomes 0.00025 and 0.00061; ExAC 0.00071; 1000 Genomes Project 30x 0.00187; 1000 Genomes Project 0.00200; gnomAD 0.00214 and 0.00234; ESP Exome Variant Server 0.00238; TOPMed 0.00257.
gnomAD v4.1: 731 of 1,613,676 alleles (0.045%); highest among the groups gnomAD compares: African/African-American, 0.77%; 2 homozygotes.

Submissions (5):

Labcorp Genetics (formerly Invitae), Labcorp
Classification: Benign. Last evaluated: 2026-01-28. Review status: criteria provided, single submitter. Criteria: Invitae Variant Classification Sherloc (09022015). Collection method: clinical testing. Allele origin: germline.

Women's Health and Genetics/Laboratory Corporation of America, LabCorp
Classification: Likely benign. Last evaluated: 2025-12-09. Review status: criteria provided, single submitter. Criteria: LabCorp Variant Classification Summary - May 2015. Collection method: clinical testing. Allele origin: germline.

Blueprint Genetics
Classification: Likely benign. Last evaluated: 2024-08-21. Review status: criteria provided, single submitter. Criteria: ACMG Guidelines, 2015. Collection method: clinical testing. Allele origin: germline.

CeGaT Center for Human Genetics Tuebingen
Classification: Likely benign. Last evaluated: 2023-05-01. Review status: criteria provided, single submitter. Criteria: CeGaT Center For Human Genetics Tuebingen Variant Classification Criteria Version 2. Collection method: clinical testing. Allele origin: germline. Affected: yes. Observed: 1 variant allele.
Comment: TUBGCP6: BP4, BP7

Genetic Services Laboratory, University of Chicago
Classification: Likely benign. Last evaluated: 2018-07-16. Review status: criteria provided, single submitter. Criteria: ACMG Guidelines, 2015. Collection method: clinical testing. Allele origin: germline. Affected: no.

NM_020461.4(TUBGCP6):c.4929C>T (p.Asp1643=)

Gene: TUBGCP6 (tubulin gamma complex component 6; minus strand). Cytogenetic location: 22q13.33.
Variant type: single nucleotide variant.
Coding change: c.4929C>T on transcript NM_020461.4 (MANE Select); coding-DNA position 4929, C replaced by T.
Protein change: p.Asp1643=; no amino-acid change (aspartic acid 1643 retained).
Molecular consequence: synonymous variant.
Genome position (GRCh38, 1-based): chr22:50,218,513, G>A on the plus strand (C>T on the coding strand, the complement: TUBGCP6 is on the minus strand). VCF-style: chr22-50218513-G-A. GRCh37 (hg19) VCF-style: chr22-50656942-G-A.
Identifiers: ClinVar variation 784895 (VCV000784895.40), dbSNP rs147939592, ClinGen allele CA10307274.